The following is an entry in ClinVar:

NM_014611.3(MDN1):c.13491C>T (p.Asp4497=)

Genes: MDN1 (midasin AAA ATPase 1; minus strand), MDN1-AS1 (MDN1 antisense RNA 1; plus strand). Cytogenetic location: 6q15.
Variant type: single nucleotide variant.
Coding change: c.13491C>T on transcript NM_014611.3 (MANE Select); coding-DNA position 13491, C replaced by T.
Protein change: p.Asp4497=; no amino-acid change (aspartic acid 4497 retained).
Molecular consequence: synonymous variant.
Genome position (GRCh38, 1-based): chr6:89,672,686, G>A on the plus strand (C>T on the coding strand, the complement: MDN1 is on the minus strand). VCF-style: chr6-89672686-G-A. GRCh37 (hg19) VCF-style: chr6-90382405-G-A.
Identifiers: ClinVar variation 3053003 (VCV003053003.2), dbSNP rs6929989, ClinGen allele CA3922790.
Genomic context (GRCh38, chr6:89,672,686, plus strand): 5'-ACAGAGGATGGCTCGGATGGCAATTTCCATTTGCTCTGAAAAATCTTCCACAAATCCTTC[G>A]TCCAACATTTGATTTCCTAGCAGGTAACATGGTGCAAAACAAACATACAAACAAAAGACA-3'
Protein context (NP_055426.1, residues 4487-4507): SDSQGGNQML[Asp4497=]EGFVEDFSEQ

ClinVar aggregate classification (germline): Benign (0 of 4 stars; one submission).

Conditions:
MDN1-related disorder. Also called: MDN1-related condition.

Allele frequency attached by ClinVar (database versions not stated): gnomAD exomes 0.00057; ExAC 0.00185; gnomAD 0.00609; 1000 Genomes Project 0.00619; 1000 Genomes Project 30x 0.00656; TOPMed 0.00672; ESP Exome Variant Server 0.00684.
gnomAD v4.1: 1,803 of 1,613,646 alleles (0.11%); highest among the groups gnomAD compares: African/African-American, 2.2%; 18 homozygotes.

Submission:

PreventionGenetics, part of Exact Sciences
Classification: Benign for MDN1-related condition. Last evaluated: 2019-02-22. Review status: no assertion criteria provided. Collection method: clinical testing. Allele origin: germline.
Comment: This variant is classified as benign based on ACMG/AMP sequence variant interpretation guidelines (Richards et al. 2015 PMID: 25741868, with internal and published modifications).